The following is an entry in ClinVar:

ClinVar aggregate classification (germline): Uncertain significance (1 of 4 stars; one submission).

Conditions:
Melanoma, cutaneous malignant, susceptibility to, 5. Also called: Cutaneous malignant melanoma 5. Identifiers: Orphanet 618, MedGen C2751295, MONDO:0013133, OMIM 613099.

gnomAD v4.1: 13 of 1,606,492 alleles (0.00081%); highest among the groups gnomAD compares: South Asian, 0.0044%; no homozygotes.

Submission:

Labcorp Genetics (formerly Invitae), Labcorp
Classification: Uncertain significance for Melanoma, cutaneous malignant, susceptibility to, 5. Last evaluated: 2025-11-11. Review status: criteria provided, single submitter. Criteria: Invitae Variant Classification Sherloc (09022015). Collection method: clinical testing. Allele origin: germline.
Comment: This sequence change replaces valine, which is neutral and non-polar, with isoleucine, which is neutral and non-polar, at codon 208 of the MC1R protein (p.Val208Ile). This variant is present in population databases (rs775933691, gnomAD 0.006%). This variant has not been reported in the literature in individuals affected with MC1R-related conditions. Invitae Evidence Modeling of protein sequence and biophysical properties (such as structural, functional, and spatial information, amino acid conservation, physicochemical variation, residue mobility, and thermodynamic stability) indicates that this missense variant is not expected to disrupt MC1R protein function with a negative predictive value of 80%. In summary, the available evidence is currently insufficient to determine the role of this variant in disease. Therefore, it has been classified as a Variant of Uncertain Significance.

NM_002386.4(MC1R):c.622G>A (p.Val208Ile)

Gene: MC1R (melanocortin 1 receptor; plus strand). Cytogenetic location: 16q24.3.
Variant type: single nucleotide variant.
Coding change: c.622G>A on transcript NM_002386.4 (MANE Select); coding-DNA position 622, G replaced by A.
Protein change: p.Val208Ile; replaces valine 208 with isoleucine.
Molecular consequence: missense variant.
Genome position (GRCh38, 1-based): chr16:89,919,880, G>A. VCF-style: chr16-89919880-G-A. GRCh37 (hg19) VCF-style: chr16-89986288-G-A.
Other names: short protein forms V208I.
Identifiers: ClinVar variation 4800075 (VCV004800075.1).
Genomic context (GRCh38, chr16:89,919,880, plus strand): 5'-GTCCTGCTGTGCCTCGTGGTCTTCTTCCTGGCTATGCTGGTGCTCATGGCCGTGCTGTAC[G>A]TCCACATGCTGGCCCGGGCCTGCCAGCACGCCCAGGGCATCGCCCGGCTCCACAAGAGGC-3'
Protein context (NP_002377.4, residues 198-218): AMLVLMAVLY[Val208Ile]HMLARACQHA